The following is an entry in ClinVar:

NM_005228.5(EGFR):c.1844A>T (p.His615Leu)

Gene: EGFR (epidermal growth factor receptor; plus strand). Cytogenetic location: 7p11.2.
Variant type: single nucleotide variant.
Coding change: c.1844A>T on transcript NM_005228.5 (MANE Select); coding-DNA position 1844, A replaced by T.
Protein change: p.His615Leu; replaces histidine 615 with leucine.
Molecular consequence: missense variant.
Genome position (GRCh38, 1-based): chr7:55,165,401, A>T. VCF-style: chr7-55165401-A-T. GRCh37 (hg19) VCF-style: chr7-55233094-A-T.
Other names: c.1709A>T, p.His570Leu (NM_001346897.2, NM_001346899.2); c.1844A>T, p.His615Leu (NM_001346898.2, NM_201282.2, NM_201284.2); c.1685A>T, p.His562Leu (NM_001346900.2); c.1043A>T, p.His348Leu (NM_001346941.2); short protein forms H615L, H562L, H570L, H348L.
Identifiers: ClinVar variation 2000128 (VCV002000128.4), dbSNP rs1785923084, ClinGen allele CA367581056.

ClinVar aggregate classification (germline): Uncertain significance (1 of 4 stars; one submission).

Conditions:
EGFR-related lung cancer (EGFR). Identifiers: MedGen CN130014.

Submission:

Labcorp Genetics (formerly Invitae), Labcorp
Classification: Uncertain significance for EGFR-related lung cancer. Last evaluated: 2022-05-28. Review status: criteria provided, single submitter. Criteria: Invitae Variant Classification Sherloc (09022015). Collection method: clinical testing. Allele origin: germline.
Comment: Algorithms developed to predict the effect of missense changes on protein structure and function (SIFT, PolyPhen-2, Align-GVGD) all suggest that this variant is likely to be tolerated. This variant has not been reported in the literature in individuals affected with EGFR-related conditions. In summary, the available evidence is currently insufficient to determine the role of this variant in disease. Therefore, it has been classified as a Variant of Uncertain Significance. This variant is not present in population databases (gnomAD no frequency). This sequence change replaces histidine, which is basic and polar, with leucine, which is neutral and non-polar, at codon 615 of the EGFR protein (p.His615Leu).